The following is an entry in ClinVar:

ClinVar aggregate classification (germline): Uncertain significance. Review status: criteria provided, multiple submitters, no conflicts (2 of 4 stars). 4 submissions from 4 submitters: Uncertain significance (4). Last evaluated 2025-09-22.

Conditions:
FLVCR1-related disorder. Also called: FLVCR1-related condition.
Inborn genetic diseases. Identifiers: MedGen C0950123, MeSH D030342.

Allele frequency attached by ClinVar (database versions not stated): TOPMed 0.00006; gnomAD 0.00007.
gnomAD v4.1: 18 of 1,442,232 alleles (0.0012%); highest among the groups gnomAD compares: African/African-American, 0.023%; no homozygotes.

Submissions (4):

Ambry Genetics
Classification: Uncertain significance for Inborn genetic diseases. Last evaluated: 2025-09-22. Review status: criteria provided, single submitter. Criteria: Ambry Variant Classification Scheme 2023. Collection method: clinical testing. Allele origin: germline.
Comment: The c.25G>A (p.G9R) alteration is located in exon 1 (coding exon 1) of the FLVCR1 gene. This alteration results from a G to A substitution at nucleotide position 25, causing the glycine (G) at amino acid position 9 to be replaced by an arginine (R). Based on data from gnomAD, the A allele has an overall frequency of 0.005% (4/89166) total alleles studied. The highest observed frequency was 0.028% (4/14244) of African alleles. Based on insufficient or conflicting evidence, the clinical significance of this alteration remains unclear.

PreventionGenetics, part of Exact Sciences
Classification: Uncertain significance for FLVCR1-related condition. Last evaluated: 2025-06-02. Review status: criteria provided, single submitter. Criteria: ACMG Guidelines, 2015. Collection method: clinical testing. Allele origin: germline.
Comment: The FLVCR1 c.25G>A variant is predicted to result in the amino acid substitution p.Gly9Arg. To our knowledge, this variant has not been reported in the literature. This variant is reported in 0.028% of alleles in individuals of African descent in gnomAD. At this time, the clinical significance of this variant is uncertain due to the absence of conclusive functional and genetic evidence.

Labcorp Genetics (formerly Invitae), Labcorp
Classification: Uncertain significance. Last evaluated: 2024-10-26. Review status: criteria provided, single submitter. Criteria: Invitae Variant Classification Sherloc (09022015). Collection method: clinical testing. Allele origin: germline.
Comment: This sequence change replaces glycine, which is neutral and non-polar, with arginine, which is basic and polar, at codon 9 of the FLVCR1 protein (p.Gly9Arg). The frequency data for this variant in the population databases is considered unreliable, as metrics indicate poor data quality at this position in the gnomAD database. This variant has not been reported in the literature in individuals affected with FLVCR1-related conditions. ClinVar contains an entry for this variant (Variation ID: 865989). An algorithm developed to predict the effect of missense changes on protein structure and function outputs the following: PolyPhen-2: "Benign". The arginine amino acid residue is found in multiple mammalian species, which suggests that this missense change does not adversely affect protein function. In summary, the available evidence is currently insufficient to determine the role of this variant in disease. Therefore, it has been classified as a Variant of Uncertain Significance.

Blueprint Genetics
Classification: Uncertain significance. Last evaluated: 2022-11-28. Review status: criteria provided, single submitter. Criteria: ACMG Guidelines, 2015. Collection method: clinical testing. Allele origin: germline.

NM_014053.4(FLVCR1):c.25G>A (p.Gly9Arg)

Gene: FLVCR1 (FLVCR choline and heme transporter 1; plus strand). Cytogenetic location: 1q32.3.
Variant type: single nucleotide variant.
Coding change: c.25G>A on transcript NM_014053.4 (MANE Select); coding-DNA position 25, G replaced by A.
Protein change: p.Gly9Arg; replaces glycine 9 with arginine.
Molecular consequence: missense variant.
Genome position (GRCh38, 1-based): chr1:212,858,477, G>A. VCF-style: chr1-212858477-G-A. GRCh37 (hg19) VCF-style: chr1-213031819-G-A.
Other names: short protein forms G9R.
Identifiers: ClinVar variation 865989 (VCV000865989.14), dbSNP rs916015252, ClinGen allele CA36896360.